The following is an entry in ClinVar:

ClinVar aggregate classification (germline): Uncertain significance. Review status: criteria provided, multiple submitters, no conflicts (2 of 4 stars). 2 submissions from 2 submitters: Uncertain significance (2). Last evaluated 2023-09-26.

Conditions:
Glomerulopathy with fibronectin deposits 2 (GFND2). Identifiers: Orphanet 84090, MedGen C1866075, MONDO:0011165, OMIM 601894.
Spondylometaphyseal dysplasia - Sutcliffe type. Also called: Spondylometaphyseal dysplasia, 'corner fracture' type; Spondylometaphyseal Dysplasia, Corner Fracture Type; Sutcliffe type of spondylometaphyseal dysplasia; Sutcliffe SMD. Identifiers: Orphanet 93315, MedGen C0432221, MONDO:0008479, OMIM 184255.

Allele frequency attached by ClinVar (database versions not stated): gnomAD exomes below 0.00001.
gnomAD v4.1: 5 of 1,598,048 alleles (0.00031%); highest among the groups gnomAD compares: Middle Eastern, 0.017%; no homozygotes.

Submissions (2):

Labcorp Genetics (formerly Invitae), Labcorp
Classification: Uncertain significance. Last evaluated: 2023-09-26. Review status: criteria provided, single submitter. Criteria: Invitae Variant Classification Sherloc (09022015). Collection method: clinical testing. Allele origin: germline.
Comment: This variant has not been reported in the literature in individuals affected with FN1-related conditions. In summary, the available evidence is currently insufficient to determine the role of this variant in disease. Therefore, it has been classified as a Variant of Uncertain Significance. Variants that disrupt the consensus splice site are a relatively common cause of aberrant splicing (PMID: 17576681, 9536098). Algorithms developed to predict the effect of sequence changes on RNA splicing suggest that this variant is not likely to affect RNA splicing. ClinVar contains an entry for this variant (Variation ID: 1408898). This variant is not present in population databases (gnomAD no frequency). This sequence change falls in intron 32 of the FN1 gene. It does not directly change the encoded amino acid sequence of the FN1 protein. It affects a nucleotide within the consensus splice site.

Fulgent Genetics
Classification: Uncertain significance for Spondylometaphyseal dysplasia - Sutcliffe type; Glomerulopathy with fibronectin deposits 2. Last evaluated: 2021-12-07. Review status: criteria provided, single submitter. Criteria: ACMG Guidelines, 2015. Collection method: clinical testing. Allele origin: unknown.

Literature cited by the submitters: PubMed 17576681 (cited by Labcorp Genetics (formerly Invitae), Labcorp); PubMed 9536098 (cited by Labcorp Genetics (formerly Invitae), Labcorp).

NM_212482.4(FN1):c.5164+3A>G

Gene: FN1 (fibronectin 1; minus strand). Cytogenetic location: 2q35.
Variant type: single nucleotide variant.
Coding change: c.5164+3A>G on transcript NM_212482.4 (MANE Select); 3 bases into the intron after coding-DNA position 5164, A replaced by G.
Molecular consequence: intron variant.
Genome position (GRCh38, 1-based): chr2:215,382,209, T>C on the plus strand (A>G on the coding strand, the complement: FN1 is on the minus strand). VCF-style: chr2-215382209-T-C. GRCh37 (hg19) VCF-style: chr2-216246932-T-C.
Other names: c.4891+3A>G (NM_212474.3, NM_001306132.2, NM_001365523.2 and 7 more transcripts); c.5164+3A>G (NM_001306130.2, NM_001365522.2, NM_001365519.2 and 3 more transcripts).
Identifiers: ClinVar variation 1408898 (VCV001408898.7), dbSNP rs2105944563, ClinGen allele CA2508165851.
Genomic context (GRCh38, chr2:215,382,209, plus strand): 5'-GCATTCAGACACCCAAGAACAAAATTTGACTTTGAAAATGGAAACCAAGCAGTGGTTACG[T>C]ACTGGTTACTGCAGTCTGAACCAGAGGCTGACTCTCTCCGCTTGGATTCTGAGCATAGAC-3'